The following is an entry in ClinVar:

NM_001349798.2(FBXW7):c.2090T>C (p.Leu697Pro)

Gene: FBXW7 (F-box and WD repeat domain containing 7; minus strand). Cytogenetic location: 4q31.3.
Variant type: single nucleotide variant.
Coding change: c.2090T>C on transcript NM_001349798.2 (MANE Select); coding-DNA position 2090, T replaced by C.
Protein change: p.Leu697Pro; replaces leucine 697 with proline.
Molecular consequence: missense variant.
Genome position (GRCh38, 1-based): chr4:152,322,915, A>G on the plus strand (T>C on the coding strand, the complement: FBXW7 is on the minus strand). VCF-style: chr4-152322915-A-G. GRCh37 (hg19) VCF-style: chr4-153244067-A-G.
Other names: c.1736T>C, p.Leu579Pro (NM_001013415.2); c.1850T>C, p.Leu617Pro (NM_018315.5); c.2090T>C, p.Leu697Pro (NM_033632.3); short protein forms L579P, L617P, L697P.
Identifiers: ClinVar variation 4886685 (VCV004886685.2).

ClinVar aggregate classification (germline): Uncertain significance (1 of 4 stars; one submission).

Submission:

Dasa
Classification: Uncertain significance. Last evaluated: 2025-05-20. Review status: criteria provided, single submitter. Criteria: DASA Assertion Criteria. Collection method: clinical testing. Allele origin: germline.
Comment: NM_001349798.2(FBXW7):c.2090T>C (p.Leu697Pro) is a missense variant that results in the substitution of leucine with proline. This variant is absent from population databases. Computational prediction algorithms are consistent with a deleterious effect. The currently available literature and clinical evidence are not sufficient to establish a definitive association between this variant and the reported condition. Therefore, this variant is classified as a variant of uncertain significance.